The following is an entry in ClinVar:

NM_001374353.1(GLI2):c.4122G>C (p.Gln1374His)

Gene: GLI2 (GLI family zinc finger 2; plus strand). Cytogenetic location: 2q14.2.
Variant type: single nucleotide variant.
Coding change: c.4122G>C on transcript NM_001374353.1 (MANE Select); coding-DNA position 4122, G replaced by C.
Protein change: p.Gln1374His; replaces glutamine 1374 with histidine.
Molecular consequence: missense variant.
Genome position (GRCh38, 1-based): chr2:120,990,087, G>C. VCF-style: chr2-120990087-G-C. GRCh37 (hg19) VCF-style: chr2-121747663-G-C.
Other names: c.4173G>C (NM_005270.4); c.4173G>C, p.Gln1391His (NM_001371271.1, NM_005270.5); c.3747G>C, p.Gln1249His (NM_001374354.1); short protein forms Q1249H, Q1391H, Q1374H.
Identifiers: ClinVar variation 1350451 (VCV001350451.9), dbSNP rs1489027653, ClinGen allele CA348178394.

ClinVar aggregate classification (germline): Uncertain significance. Review status: criteria provided, multiple submitters, no conflicts (2 of 4 stars). 2 submissions from 2 submitters: Uncertain significance (2). Last evaluated 2024-06-26.

Conditions:
Postaxial polydactyly-anterior pituitary anomalies-facial dysmorphism syndrome. Also called: Culler-Jones syndrome. Identifiers: Orphanet 420584, MedGen C4014479, MONDO:0014369, OMIM 615849.
Holoprosencephaly 9 (HPE9). Also called: HOLOPROSENCEPHALY WITH MICROPHTHALMIA AND FIRST BRANCHIAL ARCH ANOMALIES; PITUITARY ANOMALIES WITH HOLOPROSENCEPHALY-LIKE FEATURES. Identifiers: Orphanet 2162, MedGen C1835819, MONDO:0012563, OMIM 610829.
Inborn genetic diseases. Identifiers: MedGen C0950123, MeSH D030342.

Allele frequency attached by ClinVar (database versions not stated): gnomAD exomes 0.00001; TOPMed 0.00002.
gnomAD v4.1: 13 of 1,598,500 alleles (0.00081%); highest among the groups gnomAD compares: Admixed American, 0.0017%; no homozygotes.

Submissions (2):

Ambry Genetics
Classification: Uncertain significance for Inborn genetic diseases. Last evaluated: 2024-06-26. Review status: criteria provided, single submitter. Criteria: Ambry Variant Classification Scheme 2023. Collection method: clinical testing. Allele origin: germline.

Labcorp Genetics (formerly Invitae), Labcorp
Classification: Uncertain significance for Postaxial polydactyly-anterior pituitary anomalies-facial dysmorphism syndrome; Holoprosencephaly 9. Last evaluated: 2024-02-09. Review status: criteria provided, single submitter. Criteria: Invitae Variant Classification Sherloc (09022015). Collection method: clinical testing. Allele origin: germline.
Comment: This sequence change replaces glutamine, which is neutral and polar, with histidine, which is basic and polar, at codon 1391 of the GLI2 protein (p.Gln1391His). This variant is present in population databases (no rsID available, gnomAD 0.01%). This variant has not been reported in the literature in individuals affected with GLI2-related conditions. ClinVar contains an entry for this variant (Variation ID: 1350451). An algorithm developed to predict the effect of missense changes on protein structure and function (PolyPhen-2) suggests that this variant is likely to be disruptive. In summary, the available evidence is currently insufficient to determine the role of this variant in disease. Therefore, it has been classified as a Variant of Uncertain Significance.